The following is an entry in ClinVar:

NM_000127.3(EXT1):c.1126del (p.Gln376fs)

Gene: EXT1 (exostosin glycosyltransferase 1; minus strand). Cytogenetic location: 8q24.11.
Variant type: Deletion.
Coding change: c.1126del on transcript NM_000127.3 (MANE Select); coding-DNA position 1126, one base deleted (C; older notation c.1126delC).
Protein change: p.Gln376fs; shifts the reading frame from glutamine 376.
Molecular consequence: frameshift variant.
Genome position (GRCh38, 1-based): chr8:117,835,482, G deleted on the plus strand (C on the coding strand, the reverse complement: EXT1 is on the minus strand); the first of 2 consecutive G bases (chr8:117,835,482-117,835,483); deleting either gives the same sequence. VCF-style (leftmost placement, unchanged base first): chr8-117835481-TG-T. GRCh37 (hg19) VCF-style: chr8-118847720-TG-T.
Other names: short protein forms Q376fs.
Identifiers: ClinVar variation 1069069 (VCV001069069.9), dbSNP rs2129786342, ClinGen allele CA2499219103.

ClinVar aggregate classification (germline): Pathogenic (1 of 4 stars; one submission).

Conditions:
Multiple congenital exostosis (EXT). Also called: Hereditary multiple exostoses; Hereditary multiple exostosis; MULTIPLE CARTILAGINOUS EXOSTOSES; Multiple exostoses; Hereditary multiple osteochondromas; Multiple osteochondromas. Identifiers: Orphanet 321, MedGen C0015306, MONDO:0005508, HP:0002762.

Submission:

Labcorp Genetics (formerly Invitae), Labcorp
Classification: Pathogenic for Multiple congenital exostosis. Last evaluated: 2020-01-06. Review status: criteria provided, single submitter. Criteria: Invitae Variant Classification Sherloc (09022015). Collection method: clinical testing. Allele origin: germline.
Comment: For these reasons, this variant has been classified as Pathogenic. Loss-of-function variants in EXT1 are known to be pathogenic (PMID: 10679937, 11391482, 19810120). This variant has been observed in individual(s) with multiple osteochondromatosis (Invitae). This variant is not present in population databases (ExAC no frequency). This sequence change creates a premature translational stop signal (p.Gln376Lysfs*5) in the EXT1 gene. It is expected to result in an absent or disrupted protein product.

Literature cited by the submitters: PubMed 10679937; PubMed 11391482; PubMed 19810120.